The following is an entry in ClinVar:

ClinVar aggregate classification (germline): Uncertain significance. Review status: criteria provided, multiple submitters, no conflicts (2 of 4 stars). 3 submissions from 3 submitters: Uncertain significance (3). Last evaluated 2025-04-14.

Conditions:
Inborn genetic diseases. Identifiers: MedGen C0950123, MeSH D030342.
Silver-Russell syndrome 3 (SRS3). Also called: Growth restriction, severe, with distinctive facies. Identifiers: MedGen C4225307, MONDO:0014663, OMIM 616489.

Allele frequency attached by ClinVar (database versions not stated): gnomAD 0.00001; gnomAD exomes 0.00001; TOPMed 0.00002.

Submissions (3):

Ambry Genetics
Classification: Uncertain significance for Inborn genetic diseases. Last evaluated: 2025-04-14. Review status: criteria provided, single submitter. Criteria: Ambry Variant Classification Scheme 2023. Collection method: clinical testing. Allele origin: germline.

Labcorp Genetics (formerly Invitae), Labcorp
Classification: Uncertain significance. Last evaluated: 2024-12-18. Review status: criteria provided, single submitter. Criteria: Invitae Variant Classification Sherloc (09022015). Collection method: clinical testing. Allele origin: germline.
Comment: This sequence change replaces arginine, which is basic and polar, with cysteine, which is neutral and slightly polar, at codon 156 of the IGF2 protein (p.Arg156Cys). This variant is present in population databases (no rsID available, gnomAD 0.007%). This missense change has been observed in individual(s) with primary IGF-I deficiency (PMID: 29073591). ClinVar contains an entry for this variant (Variation ID: 1359677). An algorithm developed to predict the effect of missense changes on protein structure and function (PolyPhen-2) suggests that this variant is likely to be disruptive. In summary, the available evidence is currently insufficient to determine the role of this variant in disease. Therefore, it has been classified as a Variant of Uncertain Significance.

Victorian Clinical Genetics Services, Murdoch Childrens Research Institute
Classification: Uncertain significance for Silver-Russell syndrome 3. Last evaluated: 2022-09-02. Review status: criteria provided, single submitter. Criteria: ACMG Guidelines, 2015. Collection method: clinical testing. Allele origin: germline. Inheritance: Autosomal dominant inheritance. Affected: yes.
Comment: Based on the classification scheme VCGS_Germline_v1.3.4, this variant is classified as VUS-3C. Following criteria are met: 0102 - Loss of function is a known mechanism of disease in this gene and is associated with Silver-Russell syndrome 3 (MIM#616489). (I) 0107 - This gene is associated with autosomal dominant disease. (I) 0113 - This gene is known to be imprinted. This gene is known to be maternally imprinted, such that only the paternal allele is expressed (OMIM). (I) 0200 - Variant is predicted to result in a missense amino acid change from arginine to cysteine. (I) 0251 - This variant is heterozygous. (I) 0302 - Variant is present in gnomAD (v2) <0.001 for a dominant condition (2 heterozygotes, 0 homozygotes). (SP) 0309 - An alternative amino acid change at the same position has been observed in gnomAD (v3) (1413 heterozygotes, 27 homozygotes). (I) 0504 - Same amino acid change has been observed in placental mammals. (SB) 0600 - Variant is located in the annotated IGF2 C-terminal domain (DECIPHER). (I) 0705 - No comparable missense variants have previous evidence for pathogenicity. However, a variant at the same residue with a lower Grantham score p.(Arg156His) has been classified as benign by a clinical laboratory in ClinVar. (I) 0809 - Previous evidence of pathogenicity for this variant is inconclusive. This variant has been classified as a VUS by a clinical laboratory in ClinVar and also in the literature where it was observed in an individual with severe primary IGF-I deficiency and their possibly mildly affected father (PMID: 29073591). (I) 0905 - No published segregation evidence has been identified for this variant. (I) 1007 - No published functional evidence has been identified for this variant. (I) Legend: (SP) - Supporting pathogenic, (I) - Information, (SB) - Supporting benign

Literature cited by the submitters: PubMed 29073591 (cited by Labcorp Genetics (formerly Invitae), Labcorp and Victorian Clinical Genetics Services, Murdoch Childrens Research Institute).

NM_000612.6(IGF2):c.466C>T (p.Arg156Cys)

Genes: IGF2 (insulin like growth factor 2; minus strand), INS-IGF2 (INS-IGF2 readthrough; minus strand). Cytogenetic location: 11p15.5.
Variant type: single nucleotide variant.
Coding change: c.466C>T on transcript NM_000612.6 (MANE Select); coding-DNA position 466, C replaced by T.
Protein change: p.Arg156Cys; replaces arginine 156 with cysteine.
Molecular consequence: missense variant. On other transcripts: non-coding transcript variant (1).
Genome position (GRCh38, 1-based): chr11:2,133,064, G>A on the plus strand (C>T on the coding strand, the complement: IGF2 is on the minus strand). VCF-style: chr11-2133064-G-A. GRCh37 (hg19) VCF-style: chr11-2154294-G-A.
Other names: c.634C>T (NM_001127598.1); c.466C>T (NM_000612.5); c.466C>T, p.Arg156Cys (NM_001007139.6, NM_001291861.3, NM_001291862.3); c.634C>T, p.Arg212Cys (NM_001127598.3); short protein forms R212C, R156C.
Identifiers: ClinVar variation 1359677 (VCV001359677.11), dbSNP rs1243657106, ClinGen allele CA379113084.